The following is an entry in ClinVar:

NM_006766.5(KAT6A):c.4316A>C (p.His1439Pro)

Gene: KAT6A (lysine acetyltransferase 6A; minus strand). Cytogenetic location: 8p11.21.
Variant type: single nucleotide variant.
Coding change: c.4316A>C on transcript NM_006766.5 (MANE Select); coding-DNA position 4316, A replaced by C.
Protein change: p.His1439Pro; replaces histidine 1439 with proline.
Molecular consequence: missense variant.
Genome position (GRCh38, 1-based): chr8:41,933,904, T>G on the plus strand (A>C on the coding strand, the complement: KAT6A is on the minus strand). VCF-style: chr8-41933904-T-G. GRCh37 (hg19) VCF-style: chr8-41791422-T-G.
Other names: short protein forms H1439P.
Identifiers: ClinVar variation 1899207 (VCV001899207.5), dbSNP rs755323879, ClinGen allele CA175939489.
Genomic context (GRCh38, chr8:41,933,904, plus strand): 5'-TAACTCTGCAGGGTCTGACACGCCGCAAGAGTTTCCTCACAGTCCTGGTAGGCGCCCTCA[T>G]GCTCACTGCTTTCTTCTTGAGTCAAAGACTGCACTGCCTGTACAGTTTCCAGATCCAGCT-3'
Protein context (NP_006757.2, residues 1429-1449): QSLTQEESSE[His1439Pro]EGAYQDCEET

ClinVar aggregate classification (germline): Uncertain significance (1 of 4 stars; one submission).

gnomAD v4.1: 24 of 1,614,188 alleles (0.0015%); highest among the groups gnomAD compares: Non-Finnish European, 0.0019%; no homozygotes.

Submission:

Labcorp Genetics (formerly Invitae), Labcorp
Classification: Uncertain significance. Last evaluated: 2025-02-10. Review status: criteria provided, single submitter. Criteria: Invitae Variant Classification Sherloc (09022015). Collection method: clinical testing. Allele origin: germline.
Comment: This sequence change replaces histidine, which is basic and polar, with proline, which is neutral and non-polar, at codon 1439 of the KAT6A protein (p.His1439Pro). This variant is not present in population databases (gnomAD no frequency). This variant has not been reported in the literature in individuals affected with KAT6A-related conditions. ClinVar contains an entry for this variant (Variation ID: 1899207). Invitae Evidence Modeling of protein sequence and biophysical properties (such as structural, functional, and spatial information, amino acid conservation, physicochemical variation, residue mobility, and thermodynamic stability) indicates that this missense variant is not expected to disrupt KAT6A protein function with a negative predictive value of 95%. In summary, the available evidence is currently insufficient to determine the role of this variant in disease. Therefore, it has been classified as a Variant of Uncertain Significance.